The following is an entry in ClinVar:

ClinVar aggregate classification (germline): Likely pathogenic (0 of 4 stars; one submission).

Conditions:
Autosomal recessive retinitis pigmentosa. Identifiers: MedGen C0339526.

Allele frequency attached by ClinVar (database versions not stated): gnomAD exomes below 0.00001; TOPMed below 0.00001; gnomAD 0.00001.
gnomAD v4.1: 2 of 1,609,078 alleles (0.00012%); highest among the groups gnomAD compares: African/African-American, 0.0027%; no homozygotes.

Submission:

Heon Lab, The Hospital for Sick Children
Classification: Likely pathogenic for Autosomal recessive retinitis pigmentosa. Last evaluated: 2020-05-01. Review status: no assertion criteria provided. Collection method: research. Allele origin: germline. Affected: yes. Observed: 1 variant allele.
Comment: Nonsense mutation in canonical splice site that causes a validated exon skipping at cDNA level. Synthetic protein also shown to be less functional than the wt.

Literature cited by the submitters: PubMed 32753734.

NM_001377.3(DYNC2H1):c.6632A>T (p.Glu2211Val)

Gene: DYNC2H1 (dynein cytoplasmic 2 heavy chain 1; plus strand). Cytogenetic location: 11q22.3.
Variant type: single nucleotide variant.
Coding change: c.6632A>T on transcript NM_001377.3 (MANE Select); coding-DNA position 6632, A replaced by T.
Protein change: p.Glu2211Val; replaces glutamic acid 2211 with valine.
Molecular consequence: missense variant.
Genome position (GRCh38, 1-based): chr11:103,185,050, A>T. VCF-style: chr11-103185050-A-T. GRCh37 (hg19) VCF-style: chr11-103055779-A-T.
Other names: c.6632A>T, p.Glu2211Val (NM_001080463.2); short protein forms E2211V.
Identifiers: ClinVar variation 978198 (VCV000978198.2), dbSNP rs929322688, ClinGen allele CA227404652.
Genomic context (GRCh38, chr11:103,185,050, plus strand): 5'-ATCTCATAAGGGGACTTGGTGGAAATCTGAATATGAAGTCACGTTTGGAATTTACCAAAG[A>T]GGTAATGCATATTTATAGCCTATATTTAGTCAAAACTTTAACTTTTCATTAACTCTTAAC-3'
Protein context (NP_001368.2, residues 2201-2221): NMKSRLEFTK[Glu2211Val]VFHWARESPP